The following is an entry in ClinVar:

ClinVar aggregate classification (germline): Likely pathogenic (1 of 4 stars; one submission).

Conditions:
Tolchin-Le Caignec syndrome. Also called: INTELLECTUAL DEVELOPMENTAL DISORDER WITH BEHAVIORAL ABNORMALITIES AND VARIABLE BONE DEFECTS. Identifiers: MedGen C5436509, MONDO:0033544, OMIM 618971.

Submission:

Juno Genomics, Hangzhou Juno Genomics, Inc
Classification: Likely pathogenic for Tolchin-Le Caignec syndrome. Review status: criteria provided, single submitter. Criteria: ACMG Guidelines, 2015. Collection method: clinical testing. Allele origin: germline. Affected: yes.
Comment: Absent from controls (or at extremely low frequency if recessive) in Genome Aggregation Database, Exome Sequencing Project, 1000 Genomes Project, or Exome Aggregation Consortium.;Null variant in a gene where loss of function (LOF) is a known mechanism of disease.

NM_001367873.1(SOX6):c.1543C>T (p.Gln515Ter)

Gene: SOX6 (SRY-box transcription factor 6; minus strand). Cytogenetic location: 11p15.2.
Variant type: single nucleotide variant.
Coding change: c.1543C>T on transcript NM_001367873.1 (MANE Select); coding-DNA position 1543, C replaced by T.
Protein change: p.Gln515Ter; replaces glutamine 515 with a stop codon.
Molecular consequence: nonsense.
Genome position (GRCh38, 1-based): chr11:16,046,594, G>A on the plus strand (C>T on the coding strand, the complement: SOX6 is on the minus strand). VCF-style: chr11-16046594-G-A. GRCh37 (hg19) VCF-style: chr11-16068140-G-A.
Other names: c.1462C>T, p.Gln488Ter (NM_001145811.2, NM_017508.3); c.1543C>T, p.Gln515Ter (NM_001145819.2, NM_033326.3); c.1420C>T, p.Gln474Ter (NM_001367872.1); short protein forms Q474*, Q488*, Q515*.
Identifiers: ClinVar variation 3764714 (VCV003764714.2).